The following is an entry in ClinVar:

ClinVar aggregate classification (germline): Uncertain significance (1 of 4 stars; one submission).

Submission:

Labcorp Genetics (formerly Invitae), Labcorp
Classification: Uncertain significance. Last evaluated: 2023-07-19. Review status: criteria provided, single submitter. Criteria: Invitae Variant Classification Sherloc (09022015). Collection method: clinical testing. Allele origin: germline.
Comment: In summary, the available evidence is currently insufficient to determine the role of this variant in disease. Therefore, it has been classified as a Variant of Uncertain Significance. This sequence change replaces glutamic acid, which is acidic and polar, with aspartic acid, which is acidic and polar, at codon 304 of the RNF13 protein (p.Glu304Asp). This variant is not present in population databases (gnomAD no frequency). This variant has not been reported in the literature in individuals affected with RNF13-related conditions. ClinVar contains an entry for this variant (Variation ID: 1486581). Advanced modeling of protein sequence and biophysical properties (such as structural, functional, and spatial information, amino acid conservation, physicochemical variation, residue mobility, and thermodynamic stability) performed at Invitae indicates that this missense variant is not expected to disrupt RNF13 protein function.

NM_183381.3(RNF13):c.912A>C (p.Glu304Asp)

Gene: RNF13 (ring finger protein 13; plus strand). Cytogenetic location: 3q25.1.
Variant type: single nucleotide variant.
Coding change: c.912A>C on transcript NM_183381.3 (MANE Select); coding-DNA position 912, A replaced by C.
Protein change: p.Glu304Asp; replaces glutamic acid 304 with aspartic acid.
Molecular consequence: missense variant. On other transcripts: non-coding transcript variant (1).
Genome position (GRCh38, 1-based): chr3:149,960,870, A>C. VCF-style: chr3-149960870-A-C. GRCh37 (hg19) VCF-style: chr3-149678657-A-C.
Other names: c.912A>C, p.Glu304Asp (NM_001378285.1, NM_001378286.1, NM_007282.4); c.555A>C, p.Glu185Asp (NM_001378287.1, NM_001378288.1, NM_001378289.1 and 2 more transcripts); c.519A>C, p.Glu173Asp (NM_001378291.1); short protein forms E304D, E173D, E185D.
Identifiers: ClinVar variation 1486581 (VCV001486581.8), dbSNP rs2108622368, ClinGen allele CA354935884.
Genomic context (GRCh38, chr3:149,960,870, plus strand): 5'-AGTTGTTCCTTCTCAAGGCGATTCAGACTCTGACACAGACAGTAGTCAAGAAGAAAATGA[A>C]GTGACAGAACATACCCCTTTACTGAGACCTTTAGCTTCTGTCAGTGCCCAGTCATTTGGG-3'
Protein context (NP_899237.1, residues 294-314): SDTDSSQEEN[Glu304Asp]VTEHTPLLRP